The following is an entry in ClinVar:

ClinVar aggregate classification (germline): Uncertain significance (1 of 4 stars; one submission).

Conditions:
Progressive myoclonic epilepsy type 8. Identifiers: Orphanet 424027, MedGen C5190825, MONDO:0014545, OMIM 616230.

Allele frequency attached by ClinVar (database versions not stated): gnomAD 0.00001; TOPMed 0.00002; gnomAD exomes 0.00004.
gnomAD v4.1: 39 of 1,045,184 alleles (0.0037%); highest among the groups gnomAD compares: Non-Finnish European, 0.0045%; no homozygotes.

Submission:

Labcorp Genetics (formerly Invitae), Labcorp
Classification: Uncertain significance for Progressive myoclonic epilepsy type 8. Last evaluated: 2023-08-17. Review status: criteria provided, single submitter. Criteria: Invitae Variant Classification Sherloc (09022015). Collection method: clinical testing. Allele origin: germline.
Comment: In summary, the available evidence is currently insufficient to determine the role of this variant in disease. Therefore, it has been classified as a Variant of Uncertain Significance. Algorithms developed to predict the effect of missense changes on protein structure and function output the following: SIFT: "Not Available"; PolyPhen-2: "Benign"; Align-GVGD: "Not Available". The valine amino acid residue is found in multiple mammalian species, which suggests that this missense change does not adversely affect protein function. ClinVar contains an entry for this variant (Variation ID: 1022761). This variant has not been reported in the literature in individuals affected with CERS1-related conditions. The frequency data for this variant in the population databases is considered unreliable, as metrics indicate insufficient coverage at this position in the gnomAD database. This sequence change replaces alanine, which is neutral and non-polar, with valine, which is neutral and non-polar, at codon 30 of the CERS1 protein (p.Ala30Val).

NM_021267.5(CERS1):c.89C>T (p.Ala30Val)

Genes: CERS1 (ceramide synthase 1; minus strand), GDF1 (growth differentiation factor 1; minus strand). Cytogenetic location: 19p13.11.
Variant type: single nucleotide variant.
Coding change: c.89C>T on transcript NM_021267.5 (MANE Select); coding-DNA position 89, C replaced by T.
Protein change: p.Ala30Val; replaces alanine 30 with valine.
Molecular consequence: missense variant. On other transcripts: 5 prime UTR variant (4), intron variant (3).
Genome position (GRCh38, 1-based): chr19:18,895,984, G>A on the plus strand (C>T on the coding strand, the complement: CERS1 is on the minus strand). VCF-style: chr19-18895984-G-A. GRCh37 (hg19) VCF-style: chr19-19006793-G-A.
Other names: c.89C>T, p.Ala30Val (NM_001387439.1, NM_001387440.1, NM_001387441.1 and 1 more transcripts); c.-440C>T (NM_001387444.1); c.-387C>T (NM_001387445.1); c.-814C>T (NM_001387438.1); c.-1234C>T (NM_001492.6); c.-46+742C>T (NM_001387443.1); c.-46+577C>T (NM_001387442.1, NM_001290265.2); short protein forms A30V.
Identifiers: ClinVar variation 1022761 (VCV001022761.6), dbSNP rs1045601115, ClinGen allele CA306258891.